The following is an entry in ClinVar:

ClinVar aggregate classification (germline): Uncertain significance (1 of 4 stars; one submission).

Conditions:
TRIO-related disorder. Also called: TRIO-related disorders; TRIO-related condition.

gnomAD v4.1: 1 of 1,614,272 alleles (0.000062%); highest among the groups gnomAD compares: Non-Finnish European, 0.000085%; no homozygotes.

Submission:

PreventionGenetics, part of Exact Sciences
Classification: Uncertain significance for TRIO-related condition. Last evaluated: 2025-07-29. Review status: criteria provided, single submitter. Criteria: ACMG Guidelines, 2015. Collection method: clinical testing. Allele origin: germline.
Comment: The TRIO c.2333G>A variant is predicted to result in the amino acid substitution p.Arg778His. To our knowledge, this variant has not been reported in the literature. This variant is reported in 0.00088% of alleles in individuals of European (Non-Finnish) descent in gnomAD. At this time, the clinical significance of this variant is uncertain due to the absence of conclusive functional and genetic evidence.

NM_007118.4(TRIO):c.2333G>A (p.Arg778His)

Gene: TRIO (trio Rho guanine nucleotide exchange factor; plus strand). Cytogenetic location: 5p15.2.
Variant type: single nucleotide variant.
Coding change: c.2333G>A on transcript NM_007118.4 (MANE Select); coding-DNA position 2333, G replaced by A.
Protein change: p.Arg778His; replaces arginine 778 with histidine.
Molecular consequence: missense variant. On other transcripts: non-coding transcript variant (1).
Genome position (GRCh38, 1-based): chr5:14,359,473, G>A. VCF-style: chr5-14359473-G-A. GRCh37 (hg19) VCF-style: chr5-14359582-G-A.
Other names: short protein forms R778H.
Identifiers: ClinVar variation 4999414 (VCV004999414.1).